The following continues an entry in ClinVar:

NM_000083.3(CLCN1):c.501C>G (p.Phe167Leu)

Gene: CLCN1. ClinVar aggregate classification (germline): Conflicting classifications of pathogenicity. Pathogenic (4); Likely pathogenic (3); Uncertain significance (14); Likely benign (1).

Submissions 12 to 24 of 24:

Molecular Genetics, Royal Melbourne Hospital
Classification: Pathogenic for Congenital myotonia, autosomal recessive form. Last evaluated: 2024-03-01. Review status: criteria provided, single submitter. Criteria: ACMG Guidelines, 2015. Collection method: clinical testing. Allele origin: germline. Inheritance: Autosomal recessive inheritance. Affected: yes.
Comment: This sequence change in CLCN1 is predicted to replace phenylalanine with leucine at codon 167, p.(Phe167Leu). The phenylalanine residue is moderately conserved (100 vertebrates, Multiz Alignments), and is located in the transmembrane alpha-helix C domain (PMID: 23739125, 34529042). There is a small physicochemical difference between phenylalanine and leucine. The highest population minor allele frequency in the population database gnomAD v4.0 is 0.1% (71/60,026 alleles, 1 homozygote) in the Admixed American population. This variant has been detected in the homozygous and compound heterozygous state (with at least one individual confirmed in trans with a pathogenic variant) in multiple individuals with autosomal recessive myotonia congenita (ARMC) (PMID: 22094069, 23739125, 28427807, 31544778, 33263785, 33573884, 34529042). The variant has been reported to segregate with ARMC in at least two families (PMID: 21221019). There are inconsistent reports of this variant heterozygous in association with autosomal dominant myotonia congenita (PMID: 21387378, 26510092, 27614575). This variant is also commonly reported in cis with c.313C>T p.(Arg105Cys) in individuals with ARMC (PMID: 21221019, 21387378, 22094069, 22109722, 23739125, 24349310, 28427807, 31544778, 33573884). Patch clamp assays measuring voltage-dependent activation in Xenopus oocytes and mammalian cell lines are conflicting from no obvious differences in chloride channel voltage to a modest positive shift in the voltage dependence of activation (PMID: 10690989, 23933576, 26510092, 34529042). The assay demonstrating a modest positive shift suggests the variant behaves similarly to ARMC variants without dominant-negative effects (PMID: 34529042). Computational evidence is uninformative for the missense substitution (REVEL = 576). Based on the classification scheme RMH Modified ACMG/AMP Guidelines v1.6.1, this variant is classified as PATHOGENIC. Following criteria are met: PM3_VeryStrong, PP1_Moderate.

Kariminejad - Najmabadi Pathology & Genetics Center
Classification: Uncertain significance for Congenital myotonia, autosomal dominant form; Congenital myotonia, autosomal recessive form. Last evaluated: 2024-02-19. Review status: criteria provided, single submitter. Criteria: ACMG Guidelines, 2015. Collection method: clinical testing. Allele origin: germline. Inheritance: Autosomal recessive inheritance. Affected: yes.
Comment: PM2-supp,PP2,PM3

Mayo Clinic Laboratories, Mayo Clinic
Classification: Uncertain significance. Last evaluated: 2023-03-29. Review status: criteria provided, single submitter. Criteria: ACMG Guidelines, 2015. Collection method: clinical testing. Allele origin: germline. Observed: 2 variant alleles.
Comment: BS1

Department of Pathology and Laboratory Medicine, Sinai Health System
Classification: Uncertain significance for Congenital myotonia, autosomal dominant form; Congenital myotonia, autosomal recessive form. Last evaluated: 2023-02-05. Review status: criteria provided, single submitter. Criteria: ACMG Guidelines, 2015. Collection method: research. Allele origin: germline.

Greenwood Genetic Center Diagnostic Laboratories, Greenwood Genetic Center
Classification: Uncertain significance. Last evaluated: 2022-08-07. Review status: criteria provided, single submitter. Criteria: ACMG Guidelines, 2015. Collection method: clinical testing. Allele origin: germline. Affected: yes.
Comment: BP4

Practice for Gait Abnormalities, David Pomarino, Competency Network Toe Walking C/o Practice Pomarino
Classification: Pathogenic for Tip-toe gait. Last evaluated: 2021-06-25. Review status: criteria provided, single submitter. Criteria: ACMG Guidelines, 2015. Collection method: clinical testing. Allele origin: germline. Affected: yes.
Comment: The variant causes the exchange of phenylanaline by leucine at position 167 of the CLCN1 protein and is located in one of the transmembrane helical motifs that play a role in the ion selectivity of the chloride channel. Myopathy refers to diseases that affect skeletal Muscles. These diseases attack muscle fibers, making muscles weak. Inherited myopathies are often caused by inheriting an abnormal gene mutation from a parent that causes the disease. Symptoms of congenital myopathies usually start at birth or in early childhood, but may not appear until the teen years or even later in adulthood. Congenital myopathies are somewhat unique compared with other inherited myopathies, as weakness typically affects all muscles and is often not progressive. Symptoms are: Muscle weakness, most commonly of upper arms and shoulders and thighs, muscle cramps, stiffness and spasms, fatigue with exertion and lack of energy. Our patients all walk on tiptoe, so they show similar symptoms. When we genetically test them with our toe walking panel, we find that around 90 per cent of them have a genetic variant that explains their toe walking. These can be assigned, for example, to the area of myopathies (such as variants of the COL6A3 gene), the area of hereditary neuropathies (such as variants of the KMT2C gene) or the area of metabolic diseases (such as variants of the PYGM gene). In a smaller group of patients with almost identical symptoms, no abnormality is found in the genes of our panel, but spastic paraplegia can be detected. In another small group of our toe walkers, no abnormalities can be detected in the genes analysed in our toe walking panel, nor do they suffer from spastic paraplegia, as is also the case with healthy children. In contrast to these, however, they show a tiptoe gait. These patients suffer from infantile cerebral palsy, in which toe walking can also be observed.

Mendelics
Classification: Uncertain significance for Congenital myotonia, autosomal recessive form. Last evaluated: 2019-05-28. Review status: criteria provided, single submitter. Criteria: Mendelics Assertion Criteria 2017. Collection method: clinical testing. Allele origin: unknown.

Centre for Mendelian Genomics, University Medical Centre Ljubljana
Classification: Likely pathogenic for Congenital myotonia, autosomal recessive form. Last evaluated: 2016-01-01. Review status: criteria provided, single submitter. Criteria: ACMG Guidelines, 2015. Collection method: clinical testing. Allele origin: unknown. Affected: yes.
Comment: This variant was classified as: Likely pathogenic.

Centre for Mendelian Genomics, University Medical Centre Ljubljana
Classification: Likely pathogenic for Myotonia. Last evaluated: 2015-01-23. Review status: criteria provided, single submitter. Criteria: ACMG Guidelines, 2015. Collection method: clinical testing. Allele origin: unknown. Affected: yes.

Department Of Human Genetics, Institute Of Clinical And Translational Research, Biomedical Research Center, Slovak Academy Of Sciences
Classification: Likely pathogenic for Congenital myotonia, autosomal recessive form. Review status: criteria provided, single submitter. Criteria: ACMG Guidelines, 2015. Collection method: research. Allele origin: germline. Inheritance: Autosomal recessive inheritance. Affected: yes. Observed: 1 variant allele.
Comment: c.501C>G variant is reported in the HGDM database as a disease-causing variant CM940283 and it was reported for the first time in PMID: 7874130. GnomAD ExomesVersion: 4.0 indicates the frequency of f = 0.000863.

UNC Molecular Genetics  Laboratory, University of North Carolina at Chapel Hill
Classification: Uncertain significance for Congenital myotonia, autosomal recessive form. Review status: criteria provided, single submitter. Criteria: ACMG Guidelines, 2015. Collection method: research. Allele origin: germline. Observed: 1 variant allele. Study: CSER_NCGENES_2.
Comment: The CLCN1 p.Phe167Leu (p.F167L) variant has been reported in several patients with Becker disease (PMID:26510092; 24304580; 17654559; 23739125). However, this variant has also been seen in unaffected individuals (PMID: 27614575). One study reported that the p.F167L variant was associated with more normal function than other deleterious variants and noted that compound heterozygous individuals with p.F167L had a more mild phenotype (PMID: 23933576).

Laboratory of Medical Genetics, National & Kapodistrian University of Athens
Classification: Affects for Congenital myotonia, autosomal recessive form. Last evaluated: 2024-02-20. Review status: no assertion criteria provided. Collection method: clinical testing. Allele origin: germline. Inheritance: Autosomal recessive inheritance. Affected: yes. Not counted in ClinVar's aggregate classification.
Comment: Advanced modeling of protein structural, functional, and spatial characteristics, amino acid conservations physicochemical variations, residues mobility, and thermodynamic stability details emerging from several studies indicate that the c.501C>G missense variant behaves similarly to the wild-type, with little or no evidence supportive of a deleterious effect for the CLCN1 channel. In consistence with the findings of the current cohort it could be suggested that c.501C>G, p.(Phe167Leu) is most probably acting as a modifier of the severity of symptoms if and when affected phenotypes are generated from co-existing pathogenic variants.

Baylor Genetics
Classification: Uncertain significance for Congenital myotonia, autosomal recessive form. Review status: flagged submission. Criteria: ACMG Guidelines, 2015. Collection method: clinical testing. Allele origin: unknown. Study: Adult_WES. Not counted in ClinVar's aggregate classification.
ClinVar note: Reason: Unnecessary conflicting claim for distinct condition when other classifications are more relevant

Literature cited by the submitters: PubMed 34106991 (cited by Women's Health and Genetics/Laboratory Corporation of America, LabCorp and Mayo Clinic Laboratories, Mayo Clinic); PubMed 33263785 (cited by 4 submitters); PubMed 34529042 (cited by 3 submitters); PubMed 36964972 (cited by Women's Health and Genetics/Laboratory Corporation of America, LabCorp and Athena Diagnostics); PubMed 23933576 (cited by 6 submitters); PubMed 28993909 (cited by Women's Health and Genetics/Laboratory Corporation of America, LabCorp); PubMed 27266866 (cited by Women's Health and Genetics/Laboratory Corporation of America, LabCorp and Mayo Clinic Laboratories, Mayo Clinic); PubMed 10690989 (cited by 5 submitters); PubMed 38855810 (cited by 3 submitters); PubMed 17654559 (cited by Labcorp Genetics (formerly Invitae), Labcorp and UNC Molecular Genetics  Laboratory, University of North Carolina at Chapel Hill); PubMed 18337730 (cited by Labcorp Genetics (formerly Invitae), Labcorp and Athena Diagnostics); PubMed 21221019 (cited by 4 submitters); PubMed 22094069 (cited by 3 submitters); PubMed 22521272 (cited by Labcorp Genetics (formerly Invitae), Labcorp and Mayo Clinic Laboratories, Mayo Clinic); PubMed 22641783 (cited by Labcorp Genetics (formerly Invitae), Labcorp); PubMed 23113340 (cited by Labcorp Genetics (formerly Invitae), Labcorp); PubMed 23739125 (cited by 4 submitters); PubMed 24037712 (cited by Labcorp Genetics (formerly Invitae), Labcorp); PubMed 24304580 (cited by 4 submitters); PubMed 24349310 (cited by Labcorp Genetics (formerly Invitae), Labcorp and Molecular Genetics, Royal Melbourne Hospital); PubMed 24452722 (cited by Labcorp Genetics (formerly Invitae), Labcorp and Athena Diagnostics); PubMed 27199537 (cited by Labcorp Genetics (formerly Invitae), Labcorp); PubMed 26510092 (cited by 5 submitters); PubMed 7874130 (cited by 3billion and Department Of Human Genetics, Institute Of Clinical And Translational Research, Biomedical Research Center, Slovak Academy Of Sciences); PubMed 32117024 (cited by Athena Diagnostics and Mayo Clinic Laboratories, Mayo Clinic); PubMed 33573884 (cited by Athena Diagnostics and Molecular Genetics, Royal Melbourne Hospital); PubMed 31544778 (cited by Athena Diagnostics and Molecular Genetics, Royal Melbourne Hospital); PubMed 17932099 (cited by Athena Diagnostics); PubMed 8533761 (cited by Athena Diagnostics); PubMed 27884173 (cited by Athena Diagnostics and Mayo Clinic Laboratories, Mayo Clinic); PubMed 21387378 (cited by Molecular Genetics, Royal Melbourne Hospital); PubMed 22109722 (cited by Molecular Genetics, Royal Melbourne Hospital); PubMed 27614575 (cited by 3 submitters); PubMed 28427807 (cited by Molecular Genetics, Royal Melbourne Hospital); PubMed 22407275 (cited by Mayo Clinic Laboratories, Mayo Clinic); PubMed 32670189 (cited by Mayo Clinic Laboratories, Mayo Clinic); PubMed 34426522 (cited by Mayo Clinic Laboratories, Mayo Clinic); PubMed 37091313 (cited by Practice for Gait Abnormalities, David Pomarino, Competency Network Toe Walking C/o Practice Pomarino); PubMed 26633545 (cited by Baylor Genetics).